The following is an entry in ClinVar:

ClinVar aggregate classification (germline): Uncertain significance. Review status: criteria provided, multiple submitters, no conflicts (2 of 4 stars). 3 submissions from 3 submitters: Uncertain significance (3). Last evaluated 2024-12-12.

Conditions:
Inborn genetic diseases. Identifiers: MedGen C0950123, MeSH D030342.

gnomAD v4.1: 1 of 1,613,706 alleles (0.000062%); highest among the groups gnomAD compares: Non-Finnish European, 0.000085%; no homozygotes.

Submissions (3):

Ambry Genetics
Classification: Uncertain significance for Inborn genetic diseases. Last evaluated: 2024-12-12. Review status: criteria provided, single submitter. Criteria: Ambry Variant Classification Scheme 2023. Collection method: clinical testing. Allele origin: germline.
Comment: The p.S775L variant (also known as c.2324C>T), located in coding exon 21 of the ANKRD26 gene, results from a C to T substitution at nucleotide position 2324. The serine at codon 775 is replaced by leucine, an amino acid with dissimilar properties. This amino acid position is conserved. In addition, this alteration is predicted to be tolerated by in silico analysis. Based on the available evidence, the clinical significance of this variant remains unclear.

Labcorp Genetics (formerly Invitae), Labcorp
Classification: Uncertain significance. Last evaluated: 2024-03-12. Review status: criteria provided, single submitter. Criteria: Invitae Variant Classification Sherloc (09022015). Collection method: clinical testing. Allele origin: germline.
Comment: This sequence change replaces serine, which is neutral and polar, with leucine, which is neutral and non-polar, at codon 775 of the ANKRD26 protein (p.Ser775Leu). This variant is not present in population databases (gnomAD no frequency). This variant has not been reported in the literature in individuals affected with ANKRD26-related conditions. Algorithms developed to predict the effect of missense changes on protein structure and function output the following: SIFT: "Not Available"; PolyPhen-2: "Benign"; Align-GVGD: "Not Available". The leucine amino acid residue is found in multiple mammalian species, which suggests that this missense change does not adversely affect protein function. In summary, the available evidence is currently insufficient to determine the role of this variant in disease. Therefore, it has been classified as a Variant of Uncertain Significance.

GeneDx
Classification: Uncertain significance. Last evaluated: 2024-01-03. Review status: criteria provided, single submitter. Criteria: GeneDx Variant Classification Process June 2021. Collection method: clinical testing. Allele origin: germline. Affected: yes.
Comment: Not observed at significant frequency in large population cohorts (gnomAD); In silico analysis supports that this missense variant has a deleterious effect on protein structure/function; Has not been previously published as pathogenic or benign to our knowledge

NM_014915.3(ANKRD26):c.2324C>T (p.Ser775Leu)

Gene: ANKRD26 (ankyrin repeat domain 26; minus strand). Cytogenetic location: 10p12.1.
Variant type: single nucleotide variant.
Coding change: c.2324C>T on transcript NM_014915.3 (MANE Select); coding-DNA position 2324, C replaced by T.
Protein change: p.Ser775Leu; replaces serine 775 with leucine.
Molecular consequence: missense variant.
Genome position (GRCh38, 1-based): chr10:27,040,016, G>A on the plus strand (C>T on the coding strand, the complement: ANKRD26 is on the minus strand). VCF-style: chr10-27040016-G-A. GRCh37 (hg19) VCF-style: chr10-27328945-G-A.
Other names: c.2321C>T, p.Ser774Leu (NM_001256053.2); short protein forms S774L, S775L.
Identifiers: ClinVar variation 3342634 (VCV003342634.4).